The following is an entry in ClinVar:

ClinVar aggregate classification (germline): Uncertain significance. Review status: criteria provided, multiple submitters, no conflicts (2 of 4 stars). 2 submissions from 2 submitters: Uncertain significance (2). Last evaluated 2023-10-06.

Conditions:
Familial cancer of breast. Also called: hereditary breast carcinoma; Hereditary breast cancer; BREAST CANCER, FAMILIAL. Identifiers: Orphanet 227535, MedGen C0346153, MONDO:0016419, OMIM 114480. Disease mechanism: loss of function.
Hereditary cancer-predisposing syndrome. Also called: Tumor predisposition; Hereditary Cancer Syndrome; Hereditary neoplastic syndrome; Neoplastic Syndromes, Hereditary. Identifiers: Orphanet 140162, MedGen C0027672, MeSH D009386, MONDO:0015356.

Allele frequency attached by ClinVar (database versions not stated): gnomAD exomes below 0.00001.
gnomAD v4.1: 2 of 1,614,242 alleles (0.00012%); highest among the groups gnomAD compares: African/African-American, 0.0013%; no homozygotes.

Submissions (2):

Labcorp Genetics (formerly Invitae), Labcorp
Classification: Uncertain significance for Familial cancer of breast. Last evaluated: 2023-10-06. Review status: criteria provided, single submitter. Criteria: Invitae Variant Classification Sherloc (09022015). Collection method: clinical testing. Allele origin: germline.
Comment: This sequence change replaces glutamine, which is neutral and polar, with arginine, which is basic and polar, at codon 822 of the PALB2 protein (p.Gln822Arg). This variant is not present in population databases (gnomAD no frequency). This variant has not been reported in the literature in individuals affected with PALB2-related conditions. ClinVar contains an entry for this variant (Variation ID: 1442411). Advanced modeling of protein sequence and biophysical properties (such as structural, functional, and spatial information, amino acid conservation, physicochemical variation, residue mobility, and thermodynamic stability) performed at Invitae indicates that this missense variant is expected to disrupt PALB2 protein function. In summary, the available evidence is currently insufficient to determine the role of this variant in disease. Therefore, it has been classified as a Variant of Uncertain Significance.

Ambry Genetics
Classification: Uncertain significance for Hereditary cancer-predisposing syndrome. Last evaluated: 2021-01-28. Review status: criteria provided, single submitter. Criteria: Ambry Variant Classification Scheme 2023. Collection method: clinical testing. Allele origin: germline.
Comment: The p.Q822R variant (also known as c.2465A>G), located in coding exon 5 of the PALB2 gene, results from an A to G substitution at nucleotide position 2465. The glutamine at codon 822 is replaced by arginine, an amino acid with highly similar properties. This amino acid position is not well conserved in available vertebrate species. In addition, this alteration is predicted to be tolerated by in silico analysis. Since supporting evidence is limited at this time, the clinical significance of this alteration remains unclear.

NM_024675.4(PALB2):c.2465A>G (p.Gln822Arg)

Gene: PALB2 (partner and localizer of BRCA2; minus strand). Cytogenetic location: 16p12.2.
Variant type: single nucleotide variant.
Coding change: c.2465A>G on transcript NM_024675.4 (MANE Select); coding-DNA position 2465, A replaced by G.
Protein change: p.Gln822Arg; replaces glutamine 822 with arginine.
Molecular consequence: missense variant.
Genome position (GRCh38, 1-based): chr16:23,629,689, T>C on the plus strand (A>G on the coding strand, the complement: PALB2 is on the minus strand). VCF-style: chr16-23629689-T-C. GRCh37 (hg19) VCF-style: chr16-23641010-T-C.
Other names: short protein forms Q822R.
Identifiers: ClinVar variation 1442411 (VCV001442411.9), dbSNP rs1299917568, ClinGen allele CA395124099.